The following continues an entry in ClinVar:

NM_001355526.2(EFCAB10):c.384-23T>G

ClinVar aggregate classification (germline): Benign. Benign (4).

Submissions 32 to 67 of 77:

Dr. Peter K. Rogan Lab, Western University
No classification provided (evidence only). Condition: Chronic lymphocytic leukemia/small lymphocytic lymphoma. Review status: no classification provided. Collection method: in vitro. Allele origin: not applicable. Functional consequence: retained intron. Not counted in ClinVar's aggregate classification.

Dr. Peter K. Rogan Lab, Western University
No classification provided (evidence only). Condition: Chronic lymphocytic leukemia/small lymphocytic lymphoma. Review status: no classification provided. Collection method: in vitro. Allele origin: not applicable. Functional consequence: retained intron. Not counted in ClinVar's aggregate classification.

Dr. Peter K. Rogan Lab, Western University
No classification provided (evidence only). Condition: Chronic lymphocytic leukemia/small lymphocytic lymphoma. Review status: no classification provided. Collection method: in vitro. Allele origin: not applicable. Functional consequence: retained intron. Not counted in ClinVar's aggregate classification.

Dr. Peter K. Rogan Lab, Western University
No classification provided (evidence only). Condition: Chronic lymphocytic leukemia/small lymphocytic lymphoma. Review status: no classification provided. Collection method: in vitro. Allele origin: not applicable. Functional consequence: retained intron. Not counted in ClinVar's aggregate classification.

Dr. Peter K. Rogan Lab, Western University
No classification provided (evidence only). Condition: Chronic lymphocytic leukemia/small lymphocytic lymphoma. Review status: no classification provided. Collection method: in vitro. Allele origin: not applicable. Functional consequence: retained intron. Not counted in ClinVar's aggregate classification.

Dr. Peter K. Rogan Lab, Western University
No classification provided (evidence only). Condition: Chronic lymphocytic leukemia/small lymphocytic lymphoma. Review status: no classification provided. Collection method: in vitro. Allele origin: not applicable. Functional consequence: retained intron. Not counted in ClinVar's aggregate classification.

Dr. Peter K. Rogan Lab, Western University
No classification provided (evidence only). Condition: Chronic lymphocytic leukemia/small lymphocytic lymphoma. Review status: no classification provided. Collection method: in vitro. Allele origin: not applicable. Functional consequence: retained intron. Not counted in ClinVar's aggregate classification.

Dr. Peter K. Rogan Lab, Western University
No classification provided (evidence only). Condition: Chronic lymphocytic leukemia/small lymphocytic lymphoma. Review status: no classification provided. Collection method: in vitro. Allele origin: not applicable. Functional consequence: retained intron. Not counted in ClinVar's aggregate classification.

Dr. Peter K. Rogan Lab, Western University
No classification provided (evidence only). Condition: Chronic lymphocytic leukemia/small lymphocytic lymphoma. Review status: no classification provided. Collection method: in vitro. Allele origin: not applicable. Functional consequence: retained intron. Not counted in ClinVar's aggregate classification.

Dr. Peter K. Rogan Lab, Western University
No classification provided (evidence only). Condition: Chronic lymphocytic leukemia/small lymphocytic lymphoma. Review status: no classification provided. Collection method: in vitro. Allele origin: not applicable. Functional consequence: retained intron. Not counted in ClinVar's aggregate classification.

Dr. Peter K. Rogan Lab, Western University
No classification provided (evidence only). Condition: Nonpapillary renal cell carcinoma. Review status: no classification provided. Collection method: in vitro. Allele origin: not applicable. Functional consequence: retained intron. Not counted in ClinVar's aggregate classification.

Dr. Peter K. Rogan Lab, Western University
No classification provided (evidence only). Condition: Nonpapillary renal cell carcinoma. Review status: no classification provided. Collection method: in vitro. Allele origin: not applicable. Functional consequence: retained intron. Not counted in ClinVar's aggregate classification.

Dr. Peter K. Rogan Lab, Western University
No classification provided (evidence only). Condition: Nonpapillary renal cell carcinoma. Review status: no classification provided. Collection method: in vitro. Allele origin: not applicable. Functional consequence: retained intron. Not counted in ClinVar's aggregate classification.

Dr. Peter K. Rogan Lab, Western University
No classification provided (evidence only). Condition: Nonpapillary renal cell carcinoma. Review status: no classification provided. Collection method: in vitro. Allele origin: not applicable. Functional consequence: retained intron. Not counted in ClinVar's aggregate classification.

Dr. Peter K. Rogan Lab, Western University
No classification provided (evidence only). Condition: Nonpapillary renal cell carcinoma. Review status: no classification provided. Collection method: in vitro. Allele origin: not applicable. Functional consequence: retained intron. Not counted in ClinVar's aggregate classification.

Dr. Peter K. Rogan Lab, Western University
No classification provided (evidence only). Condition: Familial pancreatic carcinoma. Review status: no classification provided. Collection method: in vitro. Allele origin: not applicable. Functional consequence: retained intron. Not counted in ClinVar's aggregate classification.

Dr. Peter K. Rogan Lab, Western University
No classification provided (evidence only). Condition: Familial pancreatic carcinoma. Review status: no classification provided. Collection method: in vitro. Allele origin: not applicable. Functional consequence: retained intron. Not counted in ClinVar's aggregate classification.

Dr. Peter K. Rogan Lab, Western University
No classification provided (evidence only). Condition: Familial pancreatic carcinoma. Review status: no classification provided. Collection method: in vitro. Allele origin: not applicable. Functional consequence: retained intron. Not counted in ClinVar's aggregate classification.

Dr. Peter K. Rogan Lab, Western University
No classification provided (evidence only). Condition: Familial pancreatic carcinoma. Review status: no classification provided. Collection method: in vitro. Allele origin: not applicable. Functional consequence: retained intron. Not counted in ClinVar's aggregate classification.

Dr. Peter K. Rogan Lab, Western University
No classification provided (evidence only). Condition: Familial pancreatic carcinoma. Review status: no classification provided. Collection method: in vitro. Allele origin: not applicable. Functional consequence: retained intron. Not counted in ClinVar's aggregate classification.

Dr. Peter K. Rogan Lab, Western University
No classification provided (evidence only). Condition: Hepatocellular carcinoma. Review status: no classification provided. Collection method: in vitro. Allele origin: not applicable. Functional consequence: retained intron. Not counted in ClinVar's aggregate classification.

Dr. Peter K. Rogan Lab, Western University
No classification provided (evidence only). Condition: Hepatocellular carcinoma. Review status: no classification provided. Collection method: in vitro. Allele origin: not applicable. Functional consequence: retained intron. Not counted in ClinVar's aggregate classification.

Dr. Peter K. Rogan Lab, Western University
No classification provided (evidence only). Condition: Hepatocellular carcinoma. Review status: no classification provided. Collection method: in vitro. Allele origin: not applicable. Functional consequence: retained intron. Not counted in ClinVar's aggregate classification.

Dr. Peter K. Rogan Lab, Western University
No classification provided (evidence only). Condition: Hepatocellular carcinoma. Review status: no classification provided. Collection method: in vitro. Allele origin: not applicable. Functional consequence: retained intron. Not counted in ClinVar's aggregate classification.

Dr. Peter K. Rogan Lab, Western University
No classification provided (evidence only). Condition: Hepatocellular carcinoma. Review status: no classification provided. Collection method: in vitro. Allele origin: not applicable. Functional consequence: retained intron. Not counted in ClinVar's aggregate classification.

Dr. Peter K. Rogan Lab, Western University
No classification provided (evidence only). Condition: Lymphoma. Review status: no classification provided. Collection method: in vitro. Allele origin: not applicable. Functional consequence: retained intron. Not counted in ClinVar's aggregate classification.

Dr. Peter K. Rogan Lab, Western University
No classification provided (evidence only). Condition: Lymphoma. Review status: no classification provided. Collection method: in vitro. Allele origin: not applicable. Functional consequence: retained intron. Not counted in ClinVar's aggregate classification.

Dr. Peter K. Rogan Lab, Western University
No classification provided (evidence only). Condition: Lymphoma. Review status: no classification provided. Collection method: in vitro. Allele origin: not applicable. Functional consequence: retained intron. Not counted in ClinVar's aggregate classification.

Dr. Peter K. Rogan Lab, Western University
No classification provided (evidence only). Condition: Lymphoma. Review status: no classification provided. Collection method: in vitro. Allele origin: not applicable. Functional consequence: retained intron. Not counted in ClinVar's aggregate classification.

Dr. Peter K. Rogan Lab, Western University
No classification provided (evidence only). Condition: Lymphoma. Review status: no classification provided. Collection method: in vitro. Allele origin: not applicable. Functional consequence: retained intron. Not counted in ClinVar's aggregate classification.

Dr. Peter K. Rogan Lab, Western University
No classification provided (evidence only). Condition: Lymphoma. Review status: no classification provided. Collection method: in vitro. Allele origin: not applicable. Functional consequence: retained intron. Not counted in ClinVar's aggregate classification.

Dr. Peter K. Rogan Lab, Western University
No classification provided (evidence only). Condition: Lymphoma. Review status: no classification provided. Collection method: in vitro. Allele origin: not applicable. Functional consequence: retained intron. Not counted in ClinVar's aggregate classification.

Dr. Peter K. Rogan Lab, Western University
No classification provided (evidence only). Condition: Lymphoma. Review status: no classification provided. Collection method: in vitro. Allele origin: not applicable. Functional consequence: retained intron. Not counted in ClinVar's aggregate classification.

Dr. Peter K. Rogan Lab, Western University
No classification provided (evidence only). Condition: Lymphoma. Review status: no classification provided. Collection method: in vitro. Allele origin: not applicable. Functional consequence: retained intron. Not counted in ClinVar's aggregate classification.

Dr. Peter K. Rogan Lab, Western University
No classification provided (evidence only). Condition: Lymphoma. Review status: no classification provided. Collection method: in vitro. Allele origin: not applicable. Functional consequence: retained intron. Not counted in ClinVar's aggregate classification.

Dr. Peter K. Rogan Lab, Western University
No classification provided (evidence only). Condition: Lymphoma. Review status: no classification provided. Collection method: in vitro. Allele origin: not applicable. Functional consequence: retained intron. Not counted in ClinVar's aggregate classification.